The following is an entry in ClinVar:

ClinVar aggregate classification (germline): Uncertain significance (1 of 4 stars; one submission).

Submission:

Labcorp Genetics (formerly Invitae), Labcorp
Classification: Uncertain significance. Last evaluated: 2023-07-10. Review status: criteria provided, single submitter. Criteria: Invitae Variant Classification Sherloc (09022015). Collection method: clinical testing. Allele origin: germline.
Comment: In summary, the available evidence is currently insufficient to determine the role of this variant in disease. Therefore, it has been classified as a Variant of Uncertain Significance. An algorithm developed to predict the effect of missense changes on protein structure and function (PolyPhen-2) suggests that this variant is likely to be disruptive. ClinVar contains an entry for this variant (Variation ID: 2020508). This variant has not been reported in the literature in individuals affected with EPRS-related conditions. This variant is not present in population databases (gnomAD no frequency). This sequence change replaces tyrosine, which is neutral and polar, with aspartic acid, which is acidic and polar, at codon 1077 of the EPRS protein (p.Tyr1077Asp).

NM_004446.3(EPRS1):c.3229T>G (p.Tyr1077Asp)

Gene: EPRS1 (glutamyl-prolyl-tRNA synthetase 1; minus strand). Cytogenetic location: 1q41.
Variant type: single nucleotide variant.
Coding change: c.3229T>G on transcript NM_004446.3 (MANE Select); coding-DNA position 3229, T replaced by G.
Protein change: p.Tyr1077Asp; replaces tyrosine 1077 with aspartic acid.
Molecular consequence: missense variant.
Genome position (GRCh38, 1-based): chr1:219,983,260, A>C on the plus strand (T>G on the coding strand, the complement: EPRS1 is on the minus strand). VCF-style: chr1-219983260-A-C. GRCh37 (hg19) VCF-style: chr1-220156602-A-C.
Other names: short protein forms Y1077D.
Identifiers: ClinVar variation 2020508 (VCV002020508.4), dbSNP rs2527968418, ClinGen allele CA344638693.
Genomic context (GRCh38, chr1:219,983,260, plus strand): 5'-AGTCAGCAACATGAGTCTTCTCTTTCTCTAATGCACTTTGAGACACAAACATGGGGAAGT[A>C]GCAGTTTTCAACACCAAGTTTCTTGATCTCAGCATCAAAAAAGTCCTTGATGGCTTCCCA-3'
Protein context (NP_004437.2, residues 1067-1087): EIKKLGVENC[Tyr1077Asp]FPMFVSQSAL